The following is an entry in ClinVar:

NM_000094.4(COL7A1):c.2858-3C>T

Gene: COL7A1 (collagen type VII alpha 1 chain; minus strand). Cytogenetic location: 3p21.31.
Variant type: single nucleotide variant.
Coding change: c.2858-3C>T on transcript NM_000094.4 (MANE Select); 3 bases into the intron before coding-DNA position 2858, C replaced by T.
Molecular consequence: intron variant.
Genome position (GRCh38, 1-based): chr3:48,587,557, G>A on the plus strand (C>T on the coding strand, the complement: COL7A1 is on the minus strand). VCF-style: chr3-48587557-G-A. GRCh37 (hg19) VCF-style: chr3-48624990-G-A.
Identifiers: ClinVar variation 1411427 (VCV001411427.8), dbSNP rs928128124, ClinGen allele CA73986286.

ClinVar aggregate classification (germline): Uncertain significance. Review status: criteria provided, multiple submitters, no conflicts (2 of 4 stars). 2 submissions from 2 submitters: Uncertain significance (2). Last evaluated 2025-11-27.

Allele frequency attached by ClinVar (database versions not stated): gnomAD exomes below 0.00001 and 0.00001; TOPMed below 0.00001; gnomAD 0.00001.
gnomAD v4.1: 4 of 1,613,406 alleles (0.00025%); highest among the groups gnomAD compares: Non-Finnish European, 0.00034%; no homozygotes.

Submissions (2):

Women's Health and Genetics/Laboratory Corporation of America, LabCorp
Classification: Uncertain significance. Last evaluated: 2025-11-27. Review status: criteria provided, single submitter. Criteria: LabCorp Variant Classification Summary - May 2015. Collection method: clinical testing. Allele origin: germline.

Labcorp Genetics (formerly Invitae), Labcorp
Classification: Uncertain significance. Last evaluated: 2024-07-29. Review status: criteria provided, single submitter. Criteria: Invitae Variant Classification Sherloc (09022015). Collection method: clinical testing. Allele origin: germline.
Comment: This sequence change falls in intron 21 of the COL7A1 gene. It does not directly change the encoded amino acid sequence of the COL7A1 protein. It affects a nucleotide within the consensus splice site. This variant is present in population databases (no rsID available, gnomAD 0.0009%). This variant has not been reported in the literature in individuals affected with COL7A1-related conditions. ClinVar contains an entry for this variant (Variation ID: 1411427). Variants that disrupt the consensus splice site are a relatively common cause of aberrant splicing (PMID: 17576681, 9536098). Algorithms developed to predict the effect of sequence changes on RNA splicing suggest that this variant is not likely to affect RNA splicing. In summary, the available evidence is currently insufficient to determine the role of this variant in disease. Therefore, it has been classified as a Variant of Uncertain Significance.

Literature cited by the submitters: PubMed 17576681 (cited by Labcorp Genetics (formerly Invitae), Labcorp); PubMed 9536098 (cited by Labcorp Genetics (formerly Invitae), Labcorp).